The following is an entry in ClinVar:

NM_001364905.1(LRBA):c.5411T>C (p.Leu1804Ser)

Gene: LRBA (LPS responsive beige-like anchor protein; minus strand). Cytogenetic location: 4q31.3.
Variant type: single nucleotide variant.
Coding change: c.5411T>C on transcript NM_001364905.1 (MANE Select); coding-DNA position 5411, T replaced by C.
Protein change: p.Leu1804Ser; replaces leucine 1804 with serine.
Molecular consequence: missense variant.
Genome position (GRCh38, 1-based): chr4:150,806,378, A>G on the plus strand (T>C on the coding strand, the complement: LRBA is on the minus strand). VCF-style: chr4-150806378-A-G. GRCh37 (hg19) VCF-style: chr4-151727530-A-G.
Other names: c.5411T>C, p.Leu1804Ser (NM_001199282.3, NM_001367550.1, NM_006726.5); short protein forms L1804S.
Identifiers: ClinVar variation 1525258 (VCV001525258.8), dbSNP rs2126716232, ClinGen allele CA358609785.

ClinVar aggregate classification (germline): Uncertain significance (1 of 4 stars; one submission).

Conditions:
Combined immunodeficiency due to LRBA deficiency. Also called: Common variable immunodeficiency 8, with autoimmunity. Identifiers: Orphanet 445018, MedGen C3553512, MONDO:0013863, OMIM 614700.

Submission:

Labcorp Genetics (formerly Invitae), Labcorp
Classification: Uncertain significance for Combined immunodeficiency due to LRBA deficiency. Last evaluated: 2021-04-12. Review status: criteria provided, single submitter. Criteria: Invitae Variant Classification Sherloc (09022015). Collection method: clinical testing. Allele origin: germline.
Comment: In summary, the available evidence is currently insufficient to determine the role of this variant in disease. Therefore, it has been classified as a Variant of Uncertain Significance. Algorithms developed to predict the effect of missense changes on protein structure and function are either unavailable or do not agree on the potential impact of this missense change (SIFT: "Deleterious"; PolyPhen-2: "Probably Damaging"; Align-GVGD: "Class C0"). This variant has not been reported in the literature in individuals with LRBA-related conditions. This variant is not present in population databases (ExAC no frequency). This sequence change replaces leucine with serine at codon 1804 of the LRBA protein (p.Leu1804Ser). The leucine residue is moderately conserved and there is a large physicochemical difference between leucine and serine.